The following is an entry in ClinVar:

NM_001080467.3(MYO5B):c.4240G>A (p.Glu1414Lys)

Genes: MYO5B (myosin VB; minus strand), SNHG22 (small nucleolar RNA host gene 22; plus strand), LOC126862745 (MED14-independent group 3 enhancer GRCh37_chr18:47375491-47376690; plus strand). Cytogenetic location: 18q21.1.
Variant type: single nucleotide variant.
Coding change: c.4240G>A on transcript NM_001080467.3 (MANE Select); coding-DNA position 4240, G replaced by A.
Protein change: p.Glu1414Lys; replaces glutamic acid 1414 with lysine.
Molecular consequence: missense variant. On other transcripts: non-coding transcript variant (1).
Genome position (GRCh38, 1-based): chr18:49,849,642, C>T on the plus strand (G>A on the coding strand, the complement: MYO5B is on the minus strand). VCF-style: chr18-49849642-C-T. GRCh37 (hg19) VCF-style: chr18-47376012-C-T.
Other names: short protein forms E1414K.
Identifiers: ClinVar variation 594845 (VCV000594845.18), dbSNP rs76213287, ClinGen allele CA8960422.

ClinVar aggregate classification (germline): Conflicting classifications of pathogenicity. Review status: criteria provided, conflicting classifications (1 of 4 stars). 5 submissions from 5 submitters: Uncertain significance (4); Likely benign (1). Last evaluated 2026-07-20.

Conditions:
Congenital microvillous atrophy (DIAR2). Also called: CONGENITAL FAMILIAL PROTRACTED DIARRHEA WITH ENTEROCYTE BRUSH-BORDER ABNORMALITIES; DAVIDSON DISEASE; Diarrhea 2 with microvillus atrophy, with or without cholestasis; Microvillus inclusion disease; MICROVILLUS ATROPHY, CONGENITAL. Identifiers: Orphanet 2290, MedGen C0341306, MONDO:0009635, OMIM 251850.
Cholestasis, progressive familial intrahepatic, 10 (PFIC10). Identifiers: MedGen C5676981, MONDO:0030810, OMIM 619868.
MYO5B-related disorder. Also called: MYO5B-related condition.

Allele frequency attached by ClinVar (database versions not stated): ExAC 0.00033; gnomAD exomes 0.00038 and 0.00078; gnomAD 0.00039; 1000 Genomes Project 0.00040; TOPMed 0.00046; 1000 Genomes Project 30x 0.00047; ESP Exome Variant Server 0.00066.
gnomAD v4.1: 1,186 of 1,613,820 alleles (0.073%); highest among the groups gnomAD compares: Non-Finnish European, 0.095%; no homozygotes.

Submissions (6):

PreventionGenetics, part of Exact Sciences
Classification: Uncertain significance for MYO5B-related condition. Last evaluated: 2026-07-20. Review status: criteria provided, single submitter. Criteria: ACMG Guidelines, 2015. Collection method: clinical testing. Allele origin: germline.
Comment: The MYO5B c.4240G>A variant is predicted to result in the amino acid substitution p.Glu1414Lys. To our knowledge, this variant has not been reported in the literature. This variant is reported in 0.072% of alleles in individuals of European (Non-Finnish) descent in gnomAD. At this time, the clinical significance of this variant is uncertain due to the absence of conclusive functional and genetic evidence.

Labcorp Genetics (formerly Invitae), Labcorp
Classification: Uncertain significance. Last evaluated: 2024-12-04. Review status: criteria provided, single submitter. Criteria: Invitae Variant Classification Sherloc (09022015). Collection method: clinical testing. Allele origin: germline.
Comment: This sequence change replaces glutamic acid, which is acidic and polar, with lysine, which is basic and polar, at codon 1414 of the MYO5B protein (p.Glu1414Lys). This variant is present in population databases (rs76213287, gnomAD 0.07%). This variant has not been reported in the literature in individuals affected with MYO5B-related conditions. ClinVar contains an entry for this variant (Variation ID: 594845). Invitae Evidence Modeling of protein sequence and biophysical properties (such as structural, functional, and spatial information, amino acid conservation, physicochemical variation, residue mobility, and thermodynamic stability) indicates that this missense variant is not expected to disrupt MYO5B protein function with a negative predictive value of 80%. In summary, the available evidence is currently insufficient to determine the role of this variant in disease. Therefore, it has been classified as a Variant of Uncertain Significance.

3billion
Classification: Likely benign for Cholestasis, progressive familial intrahepatic, 10; Congenital microvillous atrophy. Last evaluated: 2024-09-20. Review status: criteria provided, single submitter. Criteria: ACMG Guidelines, 2015. Collection method: clinical testing. Allele origin: germline. Affected: no.
Comment: The homozygous variant was found in patients diagnosed with another variant in a different gene, with no symptoms related to the gene containing the homozygous variant.

Eurofins Ntd Llc (ga)
Classification: Uncertain significance. Last evaluated: 2018-04-12. Review status: criteria provided, single submitter. Criteria: EGL ClinVar v180209 classification definitions. Collection method: clinical testing. Allele origin: germline. Observed: 1 variant allele, 1 heterozygote.

Illumina Laboratory Services, Illumina
Classification: Uncertain significance for Congenital microvillous atrophy. Last evaluated: 2018-01-13. Review status: criteria provided, single submitter. Criteria: ICSL Variant Classification Criteria 13 December 2019. Collection method: clinical testing. Allele origin: germline.

Dr. Peter K. Rogan Lab, Western University
No classification provided (evidence only). Condition: Familial cancer of breast. Review status: no classification provided. Collection method: in vitro. Allele origin: not applicable. Functional consequence: retained intron. Not counted in ClinVar's aggregate classification.